The following is an entry in ClinVar:

NM_000203.5(IDUA):c.607G>C (p.Asp203His)

Gene: IDUA (alpha-L-iduronidase; plus strand). Cytogenetic location: 4p16.3.
Variant type: single nucleotide variant.
Coding change: c.607G>C on transcript NM_000203.5 (MANE Select); coding-DNA position 607, G replaced by C.
Protein change: p.Asp203His; replaces aspartic acid 203 with histidine.
Molecular consequence: missense variant. On other transcripts: non-coding transcript variant (1).
Genome position (GRCh38, 1-based): chr4:1,001,696, G>C. VCF-style: chr4-1001696-G-C. GRCh37 (hg19) VCF-style: chr4-995484-G-C.
Other names: c.211G>C, p.Asp71His (NM_001363576.1); short protein forms D203H, D71H.
Identifiers: ClinVar variation 4886603 (VCV004886603.2).

ClinVar aggregate classification (germline): Uncertain significance (1 of 4 stars; one submission).

gnomAD v4.1: 6 of 1,600,568 alleles (0.00037%); highest among the groups gnomAD compares: Non-Finnish European, 0.00051%; no homozygotes.

Submission:

Dasa
Classification: Uncertain significance. Last evaluated: 2024-12-03. Review status: criteria provided, single submitter. Criteria: DASA Assertion Criteria. Collection method: clinical testing. Allele origin: germline.
Comment: NM_000203.5(IDUA):c.607G>C (p.Asp203His) is a missense variant that results in the substitution of aspartic acid with histidine. The affected residue or protein region has prior evidence supporting clinical relevance. This variant is rare in population databases. Computational prediction algorithms are consistent with a deleterious effect. The currently available literature and clinical evidence are not sufficient to establish a definitive association between this variant and the reported condition. Therefore, this variant is classified as a variant of uncertain significance.